The following is an entry in ClinVar:

ClinVar aggregate classification (germline): Uncertain significance (1 of 4 stars; one submission).

Conditions:
Dilated cardiomyopathy 1G (CMD1G). Identifiers: Orphanet 154, MedGen C1858763, MONDO:0011400, OMIM 604145.
Autosomal recessive limb-girdle muscular dystrophy type 2J (LGMDR10). Also called: Limb-girdle muscular dystrophy, type 2J; MUSCULAR DYSTROPHY, LIMB-GIRDLE, AUTOSOMAL RECESSIVE 10. Identifiers: Orphanet 140922, MedGen C1837342, MONDO:0012127, OMIM 608807.

Submission:

Labcorp Genetics (formerly Invitae), Labcorp
Classification: Uncertain significance for Dilated cardiomyopathy 1G; Autosomal recessive limb-girdle muscular dystrophy type 2J. Last evaluated: 2024-04-10. Review status: criteria provided, single submitter. Criteria: Invitae Variant Classification Sherloc (09022015). Collection method: clinical testing. Allele origin: germline.
Comment: This sequence change replaces serine, which is neutral and polar, with threonine, which is neutral and polar, at codon 33803 of the TTN protein (p.Ser33803Thr). This variant is not present in population databases (gnomAD no frequency). This variant has not been reported in the literature in individuals affected with TTN-related conditions. Algorithms developed to predict the effect of missense changes on protein structure and function output the following: SIFT: "Not Available"; PolyPhen-2: "Not Available"; Align-GVGD: "Not Available". The threonine amino acid residue is found in multiple mammalian species, which suggests that this missense change does not adversely affect protein function. This variant is located in the M band of TTN (PMID: 25589632). Non-truncating variants in this region may be relevant for neuromuscular disorders, but have not been definitively shown to cause cardiomyopathy (PMID: 23975875). In summary, the available evidence is currently insufficient to determine the role of this variant in disease. Therefore, it has been classified as a Variant of Uncertain Significance.

Literature cited by the submitters: PubMed 25589632; PubMed 23975875.

NM_001267550.2(TTN):c.101407T>A (p.Ser33803Thr)

Genes: TTN (titin; minus strand), TTN-AS1 (TTN antisense RNA 1; plus strand). Cytogenetic location: 2q31.2.
Variant type: single nucleotide variant.
Coding change: c.101407T>A on transcript NM_001267550.2 (MANE Select); coding-DNA position 101407, T replaced by A.
Protein change: p.Ser33803Thr; replaces serine 33803 with threonine.
Molecular consequence: missense variant.
Genome position (GRCh38, 1-based): chr2:178,535,208, A>T on the plus strand (T>A on the coding strand, the complement: TTN is on the minus strand). VCF-style: chr2-178535208-A-T. GRCh37 (hg19) VCF-style: chr2-179399935-A-T.
Other names: c.96484T>A, p.Ser32162Thr (NM_001256850.1); c.74212T>A, p.Ser24738Thr (NM_003319.4); c.93703T>A, p.Ser31235Thr (NM_133378.4); c.74587T>A, p.Ser24863Thr (NM_133432.3); c.74788T>A, p.Ser24930Thr (NM_133437.4); short protein forms S24738T, S24863T, S24930T, S31235T, S32162T, S33803T.
Identifiers: ClinVar variation 3755787 (VCV003755787.2).